The following is an entry in ClinVar:

ClinVar aggregate classification (germline): Pathogenic (1 of 4 stars; one submission).

Submission:

Labcorp Genetics (formerly Invitae), Labcorp
Classification: Pathogenic. Last evaluated: 2024-07-29. Review status: criteria provided, single submitter. Criteria: Invitae Variant Classification Sherloc (09022015). Collection method: clinical testing. Allele origin: germline.
Comment: This sequence change creates a premature translational stop signal (p.Tyr131*) in the CD46 gene. It is expected to result in an absent or disrupted protein product. Loss-of-function variants in CD46 are known to be pathogenic (PMID: 16621965, 23431077). This variant is not present in population databases (gnomAD no frequency). This variant has not been reported in the literature in individuals affected with CD46-related conditions. ClinVar contains an entry for this variant (Variation ID: 1371221). For these reasons, this variant has been classified as Pathogenic.

Literature cited by the submitters: PubMed 16621965; PubMed 23431077.

NM_172351.3(CD46):c.393_411del (p.Gly130_Tyr131insTer)

Gene: CD46 (CD46 molecule; plus strand). Cytogenetic location: 1q32.2.
Variant type: Deletion.
Coding change: c.393_411del on transcript NM_172351.3 (MANE Select); coding-DNA positions 393 to 411, 19 bases deleted (TTACTTAATTGGTGAAGAA).
Protein change: p.Gly130_Tyr131insTer.
Molecular consequence: nonsense.
Genome position (GRCh38, 1-based): chr1:207,759,642-207,759,660, TTACTTAATTGGTGAAGAA deleted; deleting any 19 consecutive bases within chr1:207,759,641-207,759,660 gives the same sequence; the c. name uses the placement nearest the transcript's 3' end. VCF-style (leftmost placement, unchanged base first): chr1-207759640-TATTACTTAATTGGTGAAGA-T. GRCh37 (hg19) VCF-style: chr1-207932985-TATTACTTAATTGGTGAAGA-T.
Other names: c.393_411del, p.Gly130_Tyr131insTer (NM_002389.4, NM_153826.4, NM_172350.3 and 8 more transcripts).
Identifiers: ClinVar variation 1371221 (VCV001371221.6), dbSNP rs2102552416, ClinGen allele CA2573131472.